The following is an entry in ClinVar:

NM_015076.5(CDK19):c.467A>G (p.Asn156Ser)

Gene: CDK19 (cyclin dependent kinase 19; minus strand). Cytogenetic location: 6q21.
Variant type: single nucleotide variant.
Coding change: c.467A>G on transcript NM_015076.5 (MANE Select); coding-DNA position 467, A replaced by G.
Protein change: p.Asn156Ser; replaces asparagine 156 with serine.
Molecular consequence: missense variant.
Genome position (GRCh38, 1-based): chr6:110,638,696, T>C on the plus strand (A>G on the coding strand, the complement: CDK19 is on the minus strand). VCF-style: chr6-110638696-T-C. GRCh37 (hg19) VCF-style: chr6-110959899-T-C.
Other names: c.467A>G, p.Asn156Ser (NM_001300960.2); c.287A>G, p.Asn96Ser (NM_001300963.2, NM_001300964.2); short protein forms N156S, N96S.
Identifiers: ClinVar variation 4282243 (VCV004282243.1).

ClinVar aggregate classification (germline): Uncertain significance (1 of 4 stars; one submission).

Submission:

GeneDx
Classification: Uncertain significance. Last evaluated: 2025-04-14. Review status: criteria provided, single submitter. Criteria: GeneDx Variant Classification Process June 2021. Collection method: clinical testing. Allele origin: germline. Affected: yes.
Comment: Not observed at significant frequency in large population cohorts (gnomAD); In silico analysis supports that this missense variant has a deleterious effect on protein structure/function; Has not been previously published as pathogenic or benign to our knowledge